The following is an entry in ClinVar:

NM_032830.3(UTP4):c.74A>G (p.Asn25Ser)

Gene: UTP4 (UTP4 small subunit processome component). Cytogenetic location: 16q22.1.
Variant type: single nucleotide variant.
Coding change: c.74A>G on transcript NM_032830.3 (MANE Select); coding-DNA position 74, A replaced by G.
Protein change: p.Asn25Ser; replaces asparagine 25 with serine.
Molecular consequence: missense variant. On other transcripts: 5 prime UTR variant (1).
Genome position (GRCh38, 1-based): chr16:69,133,533, A>G. VCF-style: chr16-69133533-A-G. GRCh37 (hg19) VCF-style: chr16-69167436-A-G.
Other names: c.-176A>G (NM_001318391.2); short protein forms N25S.
Identifiers: ClinVar variation 2636139 (VCV002636139.6), dbSNP rs146966335, ClinGen allele CA8131918.

ClinVar aggregate classification (germline): Uncertain significance. Review status: criteria provided, multiple submitters, no conflicts (2 of 4 stars). 3 submissions from 3 submitters: Uncertain significance (2). 1 of the submissions does not count toward it. Last evaluated 2025-12-03.

Conditions:
UTP4-related disorder. Also called: UTP4-related condition.

Allele frequency attached by ClinVar (database versions not stated): gnomAD 0.00003; 1000 Genomes Project 30x 0.00016; gnomAD exomes 0.00005; ESP Exome Variant Server 0.00008; 1000 Genomes Project 0.00020; TOPMed 0.00004; ExAC 0.00010.
gnomAD v4.1: 84 of 1,614,200 alleles (0.0052%); highest among the groups gnomAD compares: Middle Eastern, 0.18%; no homozygotes.

Submissions (3):

Labcorp Genetics (formerly Invitae), Labcorp
Classification: Uncertain significance. Last evaluated: 2025-12-03. Review status: criteria provided, single submitter. Criteria: Invitae Variant Classification Sherloc (09022015). Collection method: clinical testing. Allele origin: germline.
Comment: This sequence change replaces asparagine, which is neutral and polar, with serine, which is neutral and polar, at codon 25 of the UTP4 protein (p.Asn25Ser). This variant is present in population databases (rs146966335, gnomAD 0.03%). This variant has not been reported in the literature in individuals affected with UTP4-related conditions. ClinVar contains an entry for this variant (Variation ID: 2636139). Invitae Evidence Modeling of protein sequence and biophysical properties (such as structural, functional, and spatial information, amino acid conservation, physicochemical variation, residue mobility, and thermodynamic stability) indicates that this missense variant is not expected to disrupt UTP4 protein function with a negative predictive value of 80%. In summary, the available evidence is currently insufficient to determine the role of this variant in disease. Therefore, it has been classified as a Variant of Uncertain Significance.

Ambry Genetics
Classification: Uncertain significance. Last evaluated: 2021-09-27. Review status: criteria provided, single submitter. Criteria: Ambry Variant Classification Scheme 2023. Collection method: clinical testing. Allele origin: germline.

PreventionGenetics, part of Exact Sciences
Classification: Uncertain significance for UTP4-related condition. Last evaluated: 2024-04-17. Review status: no assertion criteria provided. Collection method: clinical testing. Allele origin: germline. Not counted in ClinVar's aggregate classification.
Comment: The UTP4 c.74A>G variant is predicted to result in the amino acid substitution p.Asn25Ser. To our knowledge, this variant has not been reported in the literature. This variant is reported in 0.029% of alleles in individuals of South Asian descent in gnomAD. At this time, the clinical significance of this variant is uncertain due to the absence of conclusive functional and genetic evidence.